The following is an entry in ClinVar:

ClinVar aggregate classification (germline): Uncertain significance. Review status: criteria provided, multiple submitters, no conflicts (2 of 4 stars). 5 submissions from 5 submitters: Uncertain significance (5). Last evaluated 2026-05-23.

Conditions:
Inborn genetic diseases. Identifiers: MedGen C0950123, MeSH D030342.
Microcephaly 5, primary, autosomal recessive (MCPH5). Also called: ASPM Primary Microcephaly. Identifiers: Orphanet 2512, MedGen C1837501, MONDO:0012106, OMIM 608716.

Allele frequency attached by ClinVar (database versions not stated): TOPMed 0.00009; gnomAD 0.00011; ESP Exome Variant Server 0.00023.

Submissions (5):

Ambry Genetics
Classification: Uncertain significance for Inborn genetic diseases. Last evaluated: 2026-05-23. Review status: criteria provided, single submitter. Criteria: Ambry Variant Classification Scheme 2023. Collection method: clinical testing. Allele origin: germline.

Labcorp Genetics (formerly Invitae), Labcorp
Classification: Uncertain significance. Last evaluated: 2025-12-11. Review status: criteria provided, single submitter. Criteria: Invitae Variant Classification Sherloc (09022015). Collection method: clinical testing. Allele origin: germline.
Comment: This sequence change replaces methionine, which is neutral and non-polar, with threonine, which is neutral and polar, at codon 1383 of the ASPM protein (p.Met1383Thr). This variant is present in population databases (rs375240502, gnomAD 0.04%). This variant has not been reported in the literature in individuals affected with ASPM-related conditions. ClinVar contains an entry for this variant (Variation ID: 2227167). Invitae Evidence Modeling of protein sequence and biophysical properties (such as structural, functional, and spatial information, amino acid conservation, physicochemical variation, residue mobility, and thermodynamic stability) has been performed for this missense variant. However, the output from this modeling did not meet the statistical confidence thresholds required to predict the impact of this variant on ASPM protein function. In summary, the available evidence is currently insufficient to determine the role of this variant in disease. Therefore, it has been classified as a Variant of Uncertain Significance.

Women's Health and Genetics/Laboratory Corporation of America, LabCorp
Classification: Uncertain significance. Last evaluated: 2025-10-15. Review status: criteria provided, single submitter. Criteria: LabCorp Variant Classification Summary - May 2015. Collection method: clinical testing. Allele origin: germline.
Comment: Variant summary: ASPM c.4148T>C (p.Met1383Thr) results in a non-conservative amino acid change in the encoded protein sequence. Algorithms developed to predict the effect of missense changes on protein structure and function are either unavailable or do not agree on the potential impact of this missense change. The variant allele was found at a frequency of 3.2e-05 in 249026 control chromosomes. The available data on variant occurrences in the general population are insufficient to allow any conclusion about variant significance. To our knowledge, no occurrence of c.4148T>C in individuals affected with ASPM-related conditions and no experimental evidence demonstrating its impact on protein function have been reported. ClinVar contains an entry for this variant (Variation ID: 2227167). Based on the evidence outlined above, the variant was classified as uncertain significance.

CeGaT Center for Human Genetics Tuebingen
Classification: Uncertain significance. Last evaluated: 2023-05-01. Review status: criteria provided, single submitter. Criteria: CeGaT Center For Human Genetics Tuebingen Variant Classification Criteria Version 2. Collection method: clinical testing. Allele origin: germline. Affected: yes. Observed: 1 variant allele.

Genome-Nilou Lab
Classification: Uncertain significance for Microcephaly 5, primary, autosomal recessive. Last evaluated: 2023-04-11. Review status: criteria provided, single submitter. Criteria: ACMG Guidelines, 2015. Collection method: clinical testing. Allele origin: germline. Affected: no.

NM_018136.5(ASPM):c.4148T>C (p.Met1383Thr)

Gene: ASPM (assembly factor for spindle microtubules; minus strand). Cytogenetic location: 1q31.3.
Variant type: single nucleotide variant.
Coding change: c.4148T>C on transcript NM_018136.5 (MANE Select); coding-DNA position 4148, T replaced by C.
Protein change: p.Met1383Thr; replaces methionine 1383 with threonine.
Molecular consequence: missense variant. On other transcripts: intron variant (1).
Genome position (GRCh38, 1-based): chr1:197,105,103, A>G on the plus strand (T>C on the coding strand, the complement: ASPM is on the minus strand). VCF-style: chr1-197105103-A-G. GRCh37 (hg19) VCF-style: chr1-197074233-A-G.
Other names: c.4066-8939T>C (NM_001206846.2); short protein forms M1383T.
Identifiers: ClinVar variation 2227167 (VCV002227167.30), dbSNP rs375240502, ClinGen allele CA1309976.
Genomic context (GRCh38, chr1:197,105,103, plus strand): 5'-TGCCTCTGAATTGTAACTGTAGCCCAAAGATATCGTTTATAAGATGTAACAGCAATTATC[A>G]TTCTTATCCTAGATTGCAGGATGATTGAATAATATTTCAATTTCAGAAATCTTTGTCTAG-3'
Protein context (NP_060606.3, residues 1373-1393): YSIILQSRIR[Met1383Thr]IIAVTSYKRY